The following is an entry in ClinVar:

NM_000051.4(ATM):c.6376G>A (p.Glu2126Lys)

Genes: ATM (ATM serine/threonine kinase; plus strand), C11orf65 (chromosome 11 open reading frame 65; minus strand). Cytogenetic location: 11q22.3.
Variant type: single nucleotide variant.
Coding change: c.6376G>A on transcript NM_000051.4 (MANE Select); coding-DNA position 6376, G replaced by A.
Protein change: p.Glu2126Lys; replaces glutamic acid 2126 with lysine.
Molecular consequence: missense variant. On other transcripts: intron variant (2).
Genome position (GRCh38, 1-based): chr11:108,319,982, G>A. VCF-style: chr11-108319982-G-A. GRCh37 (hg19) VCF-style: chr11-108190709-G-A.
Other names: c.6376G>A, p.Glu2126Lys (NM_001351834.2); c.641-10911C>T (NM_001330368.2); c.*39-10911C>T (NM_001351110.2); short protein forms E2126K.
Identifiers: ClinVar variation 481276 (VCV000481276.10), dbSNP rs1555116399, ClinGen allele CA382553265.

ClinVar aggregate classification (germline): Uncertain significance. Review status: criteria provided, multiple submitters, no conflicts (2 of 4 stars). 3 submissions from 3 submitters: Uncertain significance (3). Last evaluated 2025-11-12.

Conditions:
Hereditary cancer-predisposing syndrome. Also called: Neoplastic Syndromes, Hereditary; Hereditary Cancer Syndrome; Tumor predisposition; Hereditary neoplastic syndrome. Identifiers: Orphanet 140162, MedGen C0027672, MeSH D009386, MONDO:0015356.
Ataxia-telangiectasia syndrome (AT). Also called: LOUIS-BAR SYNDROME; Cerebello-oculocutaneous telangiectasia; Immunodeficiency with ataxia telangiectasia; Ataxia-telangiectasia, complementation group D; AT, COMPLEMENTATION GROUP C; Ataxia-telangiectasia, complementation group E. Identifiers: Orphanet 100, MedGen C0004135, MONDO:0008840, OMIM 208900.

Submissions (3):

Color Diagnostics, LLC DBA Color Health
Classification: Uncertain significance for Hereditary cancer-predisposing syndrome. Last evaluated: 2025-11-12. Review status: criteria provided, single submitter. Criteria: ACMG Guidelines, 2015. Collection method: clinical testing. Allele origin: germline.
Comment: This missense variant replaces glutamic acid with lysine at codon 2126 of the ATM protein. Computational prediction suggests that this variant may not impact protein structure and function. To our knowledge, functional studies have not been reported for this variant. This variant has not been reported in individuals affected with ATM-related disorders in the literature. This variant has not been identified in the general population by the Genome Aggregation Database (gnomAD). The available evidence is insufficient to determine the role of this variant in disease conclusively. Therefore, this variant is classified as a Variant of Uncertain Significance.

Labcorp Genetics (formerly Invitae), Labcorp
Classification: Uncertain significance for Ataxia-telangiectasia syndrome. Last evaluated: 2025-10-10. Review status: criteria provided, single submitter. Criteria: Invitae Variant Classification Sherloc (09022015). Collection method: clinical testing. Allele origin: germline.
Comment: This sequence change replaces glutamic acid, which is acidic and polar, with lysine, which is basic and polar, at codon 2126 of the ATM protein (p.Glu2126Lys). This variant is not present in population databases (gnomAD no frequency). This variant has not been reported in the literature in individuals affected with ATM-related conditions. ClinVar contains an entry for this variant (Variation ID: 481276). Invitae Evidence Modeling of protein sequence and biophysical properties (such as structural, functional, and spatial information, amino acid conservation, physicochemical variation, residue mobility, and thermodynamic stability) indicates that this missense variant is not expected to disrupt ATM protein function with a negative predictive value of 95%. In summary, the available evidence is currently insufficient to determine the role of this variant in disease. Therefore, it has been classified as a Variant of Uncertain Significance.

Ambry Genetics
Classification: Uncertain significance for Hereditary cancer-predisposing syndrome. Last evaluated: 2024-12-03. Review status: criteria provided, single submitter. Criteria: Ambry Variant Classification Scheme 2023. Collection method: clinical testing. Allele origin: germline.
Comment: The p.E2126K variant (also known as c.6376G>A), located in coding exon 43 of the ATM gene, results from a G to A substitution at nucleotide position 6376. The glutamic acid at codon 2126 is replaced by lysine, an amino acid with similar properties. This nucleotide position is not well conserved in available vertebrate species. This amino acid position is well conserved in available vertebrate species. In addition, this alteration is predicted to be tolerated by in silico analysis. Based on the available evidence, the clinical significance of this variant remains unclear.